The following is an entry in ClinVar:

ClinVar aggregate classification (germline): Uncertain significance (1 of 4 stars; one submission).

Allele frequency attached by ClinVar (database versions not stated): gnomAD 0.00001; TOPMed 0.00002.
gnomAD v4.1: 3 of 1,613,932 alleles (0.00019%); highest among the groups gnomAD compares: Non-Finnish European, 0.00025%; no homozygotes.

Submission:

Labcorp Genetics (formerly Invitae), Labcorp
Classification: Uncertain significance. Last evaluated: 2025-11-29. Review status: criteria provided, single submitter. Criteria: Invitae Variant Classification Sherloc (09022015). Collection method: clinical testing. Allele origin: germline.
Comment: This sequence change replaces asparagine, which is neutral and polar, with lysine, which is basic and polar, at codon 208 of the ITGAM protein (p.Asn208Lys). This variant is not present in population databases (gnomAD no frequency). This variant has not been reported in the literature in individuals affected with ITGAM-related conditions. ClinVar contains an entry for this variant (Variation ID: 1502195). An algorithm developed to predict the effect of missense changes on protein structure and function outputs the following: PolyPhen-2: "Benign". The lysine amino acid residue is found in multiple mammalian species, which suggests that this missense change does not adversely affect protein function. In summary, the available evidence is currently insufficient to determine the role of this variant in disease. Therefore, it has been classified as a Variant of Uncertain Significance.

NM_000632.4(ITGAM):c.624C>A (p.Asn208Lys)

Gene: ITGAM (integrin subunit alpha M; plus strand). Cytogenetic location: 16p11.2.
Variant type: single nucleotide variant.
Coding change: c.624C>A on transcript NM_000632.4 (MANE Select); coding-DNA position 624, C replaced by A.
Protein change: p.Asn208Lys; replaces asparagine 208 with lysine.
Molecular consequence: missense variant.
Genome position (GRCh38, 1-based): chr16:31,271,912, C>A. VCF-style: chr16-31271912-C-A. GRCh37 (hg19) VCF-style: chr16-31283233-C-A.
Other names: c.624C>A, p.Asn208Lys (NM_001145808.2); short protein forms N208K.
Identifiers: ClinVar variation 1502195 (VCV001502195.8), dbSNP rs748844729, ClinGen allele CA395691752.